The following is an entry in ClinVar:

NM_000540.3(RYR1):c.1593C>T (p.Gly531=)

Gene: RYR1 (ryanodine receptor 1; plus strand). Cytogenetic location: 19q13.2.
Variant type: single nucleotide variant.
Coding change: c.1593C>T on transcript NM_000540.3 (MANE Select); coding-DNA position 1593, C replaced by T.
Protein change: p.Gly531=; no amino-acid change (glycine 531 retained).
Molecular consequence: synonymous variant.
Genome position (GRCh38, 1-based): chr19:38,455,467, C>T. VCF-style: chr19-38455467-C-T. GRCh37 (hg19) VCF-style: chr19-38946107-C-T.
Other names: c.1593C>T, p.Gly531= (NM_001042723.2).
Identifiers: ClinVar variation 1032419 (VCV001032419.17), dbSNP rs927675372, ClinGen allele CA308123278.
Genomic context (GRCh38, chr19:38,455,467, plus strand): 5'-CAGATCCCCAGTCCTATTGGATCTGACACCTCTTCCCCCCTCAGCTTCTCTAATCCGTGG[C>T]AATCGTAGCAACTGTGCCCTCTTCTCCACAAACTTGGACTGGCTGGTCAGCAAGCTGGAT-3'
Protein context (NP_000531.2, residues 521-541): LYELLASLIR[Gly531=]NRSNCALFST

ClinVar aggregate classification (germline): Conflicting classifications of pathogenicity. Review status: criteria provided, conflicting classifications (1 of 4 stars). 6 submissions from 6 submitters: Uncertain significance (2); Likely benign (4). Last evaluated 2025-11-01.

Conditions:
Central core myopathy (CMYO1A). Also called: CONGENITAL MYOPATHY 1A, AUTOSOMAL DOMINANT, WITH SUSCEPTIBILITY TO MALIGNANT HYPERTHERMIA; Central core disease; Myopathy, central fibrillar. Identifiers: Orphanet 597, MedGen C5830701, MONDO:0007294, OMIM 117000.
King Denborough syndrome (KDS). Identifiers: MedGen C1840365, MONDO:0020485, OMIM 619542.
Congenital multicore myopathy with external ophthalmoplegia (CMYO1B). Also called: MULTIMINICORE DISEASE WITH EXTERNAL OPHTHALMOPLEGIA; Congenital myopathy 1B, autosomal recessive; Minicore myopathy; Minicore myopathy with external ophthalmoplegia; MULTICORE MYOPATHY. Identifiers: Orphanet 598, Orphanet 98905, MedGen C1850674, MONDO:0009712, OMIM 255320, HP:0003789.
Malignant hyperthermia, susceptibility to, 1 (MHS1). Also called: Anesthesia related hyperthermia; Malignant hyperpyrexia; Fulminating hyperpyrexia; Pharmacogenic myopathy; RYR1-Related Malignant Hyperthermia Susceptibility; Malignant hyperthermia suceptibility 1. Identifiers: Orphanet 423, MedGen C2930980, MONDO:0007783, OMIM 145600.
Congenital myopathy with fiber type disproportion. Also called: Congenital fiber-type disproportion; Congenital fiber-type disproportion myopathy. Identifiers: Orphanet 2020, MedGen C0546264, MONDO:0009711. Inheritance: all.
RYR1-related disorder. Also called: RYR1-related disorders; RYR1-related condition. Identifiers: MedGen CN239331.

Allele frequency attached by ClinVar (database versions not stated): TOPMed 0.00006; gnomAD 0.00007 and 0.00009.
gnomAD v4.1: 14 of 1,614,044 alleles (0.00087%); highest among the groups gnomAD compares: African/African-American, 0.017%; no homozygotes.

Submissions (6):

CeGaT Center for Human Genetics Tuebingen
Classification: Likely benign. Last evaluated: 2025-11-01. Review status: criteria provided, single submitter. Criteria: CeGaT Center For Human Genetics Tuebingen Variant Classification Criteria Version 2. Collection method: clinical testing. Allele origin: germline. Affected: yes. Observed: 1 variant allele.
Comment: RYR1: BP4, BP7

All of Us Research Program, National Institutes of Health
Classification: Likely benign for Malignant hyperthermia, susceptibility to, 1. Last evaluated: 2023-12-13. Review status: criteria provided, single submitter. Criteria: ACMG Guidelines, 2015. Collection method: clinical testing. Allele origin: germline. Inheritance: Autosomal dominant inheritance. Observed: 3 variant alleles, 3 heterozygotes.
Comment: This study involves interpretation of variants in research participants for the purpose of population health screening. Participant phenotype was not available at the time of variant classification. Additional details can be found in publication PMID: 35346344, PMCID: PMC8962531

Labcorp Genetics (formerly Invitae), Labcorp
Classification: Likely benign for RYR1-related disorder. Last evaluated: 2023-08-07. Review status: criteria provided, single submitter. Criteria: Invitae Variant Classification Sherloc (09022015). Collection method: clinical testing. Allele origin: germline.

Color Diagnostics, LLC DBA Color Health
Classification: Likely benign for Malignant hyperthermia, susceptibility to, 1. Last evaluated: 2022-12-07. Review status: criteria provided, single submitter. Criteria: ACMG Guidelines, 2015. Collection method: clinical testing. Allele origin: germline.

Fulgent Genetics
Classification: Uncertain significance for Central core myopathy; Malignant hyperthermia, susceptibility to, 1; Congenital myopathy 4A, autosomal dominant; Congenital multicore myopathy with external ophthalmoplegia; King Denborough syndrome. Last evaluated: 2021-08-20. Review status: criteria provided, single submitter. Criteria: ACMG Guidelines, 2015. Collection method: clinical testing. Allele origin: unknown.

Baylor Genetics
Classification: Uncertain significance for Central core myopathy. Last evaluated: 2018-02-22. Review status: criteria provided, single submitter. Criteria: ACMG Guidelines, 2015. Collection method: clinical testing. Allele origin: unknown. Affected: yes.
Comment: This variant was determined to be of uncertain significance according to ACMG Guidelines, 2015 [PMID:25741868].